The following is an entry in ClinVar:

ClinVar aggregate classification (germline): Uncertain significance. Review status: criteria provided, multiple submitters, no conflicts (2 of 4 stars). 2 submissions from 2 submitters: Uncertain significance (2). Last evaluated 2023-11-14.

Conditions:
Autosomal dominant nonsyndromic hearing loss 20. Identifiers: Orphanet 90635, MedGen C1858172, MONDO:0011480, OMIM 604717.
Baraitser-winter syndrome 2. Identifiers: Orphanet 2995, MedGen C3281235, MONDO:0013812, OMIM 614583.

Allele frequency attached by ClinVar (database versions not stated): gnomAD exomes below 0.00001; TOPMed below 0.00001.
gnomAD v4.1: 1 of 1,614,040 alleles (0.000062%); highest among the groups gnomAD compares: Non-Finnish European, 0.000085%; no homozygotes.

Submissions (2):

Labcorp Genetics (formerly Invitae), Labcorp
Classification: Uncertain significance for Baraitser-winter syndrome 2; Autosomal dominant nonsyndromic hearing loss 20. Last evaluated: 2023-11-14. Review status: criteria provided, single submitter. Criteria: Invitae Variant Classification Sherloc (09022015). Collection method: clinical testing. Allele origin: germline.
Comment: This sequence change replaces lysine, which is basic and polar, with arginine, which is basic and polar, at codon 291 of the ACTG1 protein (p.Lys291Arg). This variant is not present in population databases (gnomAD no frequency). This variant has not been reported in the literature in individuals affected with ACTG1-related conditions. ClinVar contains an entry for this variant (Variation ID: 561712). Advanced modeling of protein sequence and biophysical properties (such as structural, functional, and spatial information, amino acid conservation, physicochemical variation, residue mobility, and thermodynamic stability) performed at Invitae indicates that this missense variant is not expected to disrupt ACTG1 protein function with a negative predictive value of 80%. In summary, the available evidence is currently insufficient to determine the role of this variant in disease. Therefore, it has been classified as a Variant of Uncertain Significance.

GeneDx
Classification: Uncertain significance. Last evaluated: 2018-01-08. Review status: criteria provided, single submitter. Criteria: GeneDx Variant Classification (06012015). Collection method: clinical testing. Allele origin: germline. Affected: yes.
Comment: The K291R variant in the ACTG1 gene has not been reported previously as a pathogenic variant, nor as a benign variant, to our knowledge. The K291R variant is not observed in large population cohorts (Lek et al., 2016). The K291R variant is a conservative amino acid substitution, which is not likely to impact secondary protein structure as these residues share similar properties. In silico analyses, including protein predictors and evolutionary conservation, support that this variant does not alter protein structure/function. However, the majority of missense variants in the ACTG1 gene are considered to be pathogenic (Stenson et al., 2014; Riviere et al., 2012). We interpret K291R as a variant of uncertain significance.

NM_001614.5(ACTG1):c.872A>G (p.Lys291Arg)

Gene: ACTG1 (actin gamma 1; minus strand). Cytogenetic location: 17q25.3.
Variant type: single nucleotide variant.
Coding change: c.872A>G on transcript NM_001614.5 (MANE Select); coding-DNA position 872, A replaced by G.
Protein change: p.Lys291Arg; replaces lysine 291 with arginine.
Molecular consequence: missense variant. On other transcripts: non-coding transcript variant (1).
Genome position (GRCh38, 1-based): chr17:81,511,039, T>C on the plus strand (A>G on the coding strand, the complement: ACTG1 is on the minus strand). VCF-style: chr17-81511039-T-C. GRCh37 (hg19) VCF-style: chr17-79478065-T-C.
Other names: c.872A>G, p.Lys291Arg (NM_001199954.3); short protein forms K291R.
Identifiers: ClinVar variation 561712 (VCV000561712.4), dbSNP rs1568060667, ClinGen allele CA401459223.